The following is an entry in ClinVar:

NM_001348484.3(RIMS2):c.208C>T (p.Gln70Ter)

Gene: RIMS2 (regulating synaptic membrane exocytosis 2; plus strand). Cytogenetic location: 8q22.3.
Variant type: single nucleotide variant.
Coding change: c.208C>T on transcript NM_001348484.3 (MANE Select); coding-DNA position 208, C replaced by T.
Protein change: p.Gln70Ter; replaces glutamine 70 with a stop codon.
Molecular consequence: nonsense. On other transcripts: non-coding transcript variant (1), intron variant (13).
Genome position (GRCh38, 1-based): chr8:103,652,236, C>T. VCF-style: chr8-103652236-C-T. GRCh37 (hg19) VCF-style: chr8-104664464-C-T.
Other names: c.208C>T, p.Gln70Ter (NM_001348488.2, NM_001348491.2, NM_001395653.1 and 1 more transcripts); c.177-44850C>T (NM_001395652.1, NM_001348487.2, NM_001348492.2 and 10 more transcripts); short protein forms Q70*.
Identifiers: ClinVar variation 3899379 (VCV003899379.2).

ClinVar aggregate classification (germline): Likely pathogenic (1 of 4 stars; one submission).

Conditions:
Cone-rod synaptic disorder syndrome, congenital nonprogressive. Identifiers: MedGen C5436505, MONDO:0033543, OMIM 618970.

gnomAD v4.1: 6 of 1,347,642 alleles (0.00045%); highest among the groups gnomAD compares: Middle Eastern, 0.021%; no homozygotes.

Submission:

Juno Genomics, Hangzhou Juno Genomics, Inc
Classification: Likely pathogenic for Cone-rod synaptic disorder syndrome, congenital nonprogressive. Review status: criteria provided, single submitter. Criteria: ACMG Guidelines, 2015. Collection method: clinical testing. Allele origin: germline. Affected: yes.
Comment: Absent from controls (or at extremely low frequency if recessive) in Genome Aggregation Database, Exome Sequencing Project, 1000 Genomes Project, or Exome Aggregation Consortium.;Null variant in a gene where loss of function (LOF) is a known mechanism of disease.